The following is an entry in ClinVar:

ClinVar aggregate classification (germline): Uncertain significance (1 of 4 stars; one submission).

Conditions:
Hypertrophic cardiomyopathy. Also called: HYPERTROPHIC MYOCARDIOPATHY. Identifiers: Orphanet 217569, MedGen C0007194, MeSH D002312, MONDO:0005045, HP:0001639.

Submission:

Labcorp Genetics (formerly Invitae), Labcorp
Classification: Uncertain significance for Hypertrophic cardiomyopathy. Last evaluated: 2022-10-17. Review status: criteria provided, single submitter. Criteria: Invitae Variant Classification Sherloc (09022015). Collection method: clinical testing. Allele origin: germline.
Comment: This sequence change replaces arginine, which is basic and polar, with glycine, which is neutral and non-polar, at codon 147 of the MYH7 protein (p.Arg147Gly). This variant is not present in population databases (gnomAD no frequency). In summary, the available evidence is currently insufficient to determine the role of this variant in disease. Therefore, it has been classified as a Variant of Uncertain Significance. Advanced modeling of protein sequence and biophysical properties (such as structural, functional, and spatial information, amino acid conservation, physicochemical variation, residue mobility, and thermodynamic stability) performed at Invitae indicates that this missense variant is expected to disrupt MYH7 protein function. This variant has not been reported in the literature in individuals affected with MYH7-related conditions.

NM_000257.4(MYH7):c.439A>G (p.Arg147Gly)

Gene: MYH7 (myosin heavy chain 7; minus strand). Cytogenetic location: 14q11.2.
Variant type: single nucleotide variant.
Coding change: c.439A>G on transcript NM_000257.4 (MANE Select); coding-DNA position 439, A replaced by G.
Protein change: p.Arg147Gly; replaces arginine 147 with glycine.
Molecular consequence: missense variant.
Genome position (GRCh38, 1-based): chr14:23,432,702, T>C on the plus strand (A>G on the coding strand, the complement: MYH7 is on the minus strand). VCF-style: chr14-23432702-T-C. GRCh37 (hg19) VCF-style: chr14-23901911-T-C.
Other names: c.439A>G, p.Arg147Gly (NM_001407004.1); short protein forms R147G.
Identifiers: ClinVar variation 1996392 (VCV001996392.4), dbSNP rs2502317871, ClinGen allele CA389052819.
Genomic context (GRCh38, chr14:23,432,702, plus strand): 5'-TCAGCATGTACTGATAGGCGTTGTCGGAGATGGAGAAGATGTGGGGCGGGGCCTCGCTCC[T>C]CTTCTTGCCCCGGTAGGCAGCCACCACCTCAGGAGTGTACACCGGCAGCCACTTGTAAGG-3'
Protein context (NP_000248.2, residues 137-157): EVVAAYRGKK[Arg147Gly]SEAPPHIFSI